The following is an entry in ClinVar:

ClinVar aggregate classification (germline): Uncertain significance. Review status: criteria provided, multiple submitters, no conflicts (2 of 4 stars). 2 submissions from 2 submitters: Uncertain significance (2). Last evaluated 2024-08-21.

Conditions:
Inborn genetic diseases. Identifiers: MedGen C0950123, MeSH D030342.
Leukocyte adhesion deficiency 3. Also called: Leukocyte adhesion deficiency, type III; INTEGRIN ACTIVATION DEFICIENCY DISEASE; LEUKOCYTE ADHESION DEFICIENCY 1 VARIANT. Identifiers: Orphanet 2968, Orphanet 99844, MedGen C2748536, MONDO:0013016, OMIM 612840.

Allele frequency attached by ClinVar (database versions not stated): ExAC 0.00001; gnomAD exomes 0.00001; gnomAD 0.00003.
gnomAD v4.1: 12 of 1,613,856 alleles (0.00074%); highest among the groups gnomAD compares: African/African-American, 0.013%; no homozygotes.

Submissions (2):

Ambry Genetics
Classification: Uncertain significance for Inborn genetic diseases. Last evaluated: 2024-08-21. Review status: criteria provided, single submitter. Criteria: Ambry Variant Classification Scheme 2023. Collection method: clinical testing. Allele origin: germline.

Labcorp Genetics (formerly Invitae), Labcorp
Classification: Uncertain significance for Leukocyte adhesion deficiency 3. Last evaluated: 2022-05-17. Review status: criteria provided, single submitter. Criteria: Invitae Variant Classification Sherloc (09022015). Collection method: clinical testing. Allele origin: germline.
Comment: In summary, the available evidence is currently insufficient to determine the role of this variant in disease. Therefore, it has been classified as a Variant of Uncertain Significance. Algorithms developed to predict the effect of missense changes on protein structure and function are either unavailable or do not agree on the potential impact of this missense change (SIFT: "Tolerated"; PolyPhen-2: "Probably Damaging"; Align-GVGD: "Class C0"). This sequence change replaces valine, which is neutral and non-polar, with methionine, which is neutral and non-polar, at codon 605 of the FERMT3 protein (p.Val605Met). This variant is present in population databases (rs749901987, gnomAD 0.007%). This variant has not been reported in the literature in individuals affected with FERMT3-related conditions.

NM_031471.6(FERMT3):c.1813G>A (p.Val605Met)

Gene: FERMT3 (FERM domain containing kindlin 3; plus strand). Cytogenetic location: 11q13.1.
Variant type: single nucleotide variant.
Coding change: c.1813G>A on transcript NM_031471.6 (MANE Select); coding-DNA position 1813, G replaced by A.
Protein change: p.Val605Met; replaces valine 605 with methionine.
Molecular consequence: missense variant.
Genome position (GRCh38, 1-based): chr11:64,223,313, G>A. VCF-style: chr11-64223313-G-A. GRCh37 (hg19) VCF-style: chr11-63990785-G-A.
Other names: c.1813G>A, p.Val605Met (NM_001382361.1, NM_001382448.1); c.1825G>A, p.Val609Met (NM_001382362.1, NM_178443.3); c.1273G>A, p.Val425Met (NM_001382363.1); c.1285G>A, p.Val429Met (NM_001382364.1); c.1813G>A (NM_031471.5); short protein forms V429M, V609M, V425M, V605M.
Identifiers: ClinVar variation 1920210 (VCV001920210.4), dbSNP rs749901987, ClinGen allele CA6069302.